The following is an entry in ClinVar:

ClinVar aggregate classification (germline): Likely pathogenic (1 of 4 stars; one submission).

Conditions:
Severe early-childhood-onset retinal dystrophy (STGD1). Also called: MACULAR DYSTROPHY WITH FLECKS, TYPE 1; STGD; Stargardt macular dystrophy; Juvenile onset macular degeneration; Stargardt disease 1. Identifiers: Orphanet 364055, Orphanet 827, MedGen C1855465, MeSH D000080362, MONDO:0009549, OMIM 248200.

Allele frequency attached by ClinVar (database versions not stated): gnomAD exomes below 0.00001.

Submission:

DBGen Ocular Genomics
Classification: Likely pathogenic for Severe early-childhood-onset retinal dystrophy. Last evaluated: 2021-01-01. Review status: criteria provided, single submitter. Criteria: ACMG Guidelines, 2015. Collection method: clinical testing. Allele origin: unknown. Inheritance: Autosomal recessive inheritance. Affected: yes.
Comment: Class 4 ACMG Guidelines, 2015 (PMID:25741868)

NM_000350.3(ABCA4):c.1820G>T (p.Gly607Val)

Gene: ABCA4 (ATP binding cassette subfamily A member 4; minus strand). Cytogenetic location: 1p22.1.
Variant type: single nucleotide variant.
Coding change: c.1820G>T on transcript NM_000350.3 (MANE Select); coding-DNA position 1820, G replaced by T.
Protein change: p.Gly607Val; replaces glycine 607 with valine.
Molecular consequence: missense variant.
Genome position (GRCh38, 1-based): chr1:94,062,694, C>A on the plus strand (G>T on the coding strand, the complement: ABCA4 is on the minus strand). VCF-style: chr1-94062694-C-A. GRCh37 (hg19) VCF-style: chr1-94528250-C-A.
Other names: c.1820G>T, p.Gly607Val (NM_001425324.1); short protein forms G607V.
Identifiers: ClinVar variation 2628034 (VCV002628034.2), dbSNP rs2523841647, ClinGen allele CA341279592.